The following is an entry in ClinVar:

ClinVar aggregate classification (germline): Uncertain significance. Review status: criteria provided, multiple submitters, no conflicts (2 of 4 stars). 3 submissions from 3 submitters: Uncertain significance (3). Last evaluated 2025-12-12.

Conditions:
SHOC2-related disorder. Also called: SHOC2-related condition.
Noonan syndrome (NS). Also called: Noonan's syndrome. Identifiers: Orphanet 648, MedGen C0028326, MeSH D009634, MONDO:0018997. Disease mechanism: gain of function.
RASopathy. Also called: rasopathies; Noonan spectrum disorder. Identifiers: Orphanet 536391, MedGen C5555857, MONDO:0021060.

Allele frequency attached by ClinVar (database versions not stated): gnomAD exomes below 0.00001; TOPMed below 0.00001.
gnomAD v4.1: 5 of 1,612,938 alleles (0.00031%); highest among the groups gnomAD compares: African/African-American, 0.0013%; no homozygotes.

Submissions (3):

Labcorp Genetics (formerly Invitae), Labcorp
Classification: Uncertain significance for RASopathy. Last evaluated: 2025-12-12. Review status: criteria provided, single submitter. Criteria: Invitae Variant Classification Sherloc (09022015). Collection method: clinical testing. Allele origin: germline.
Comment: This sequence change replaces methionine, which is neutral and non-polar, with valine, which is neutral and non-polar, at codon 581 of the SHOC2 protein (p.Met581Val). This variant is present in population databases (no rsID available, gnomAD 0.0009%). This variant has not been reported in the literature in individuals affected with SHOC2-related conditions. ClinVar contains an entry for this variant (Variation ID: 620614). Invitae Evidence Modeling of protein sequence and biophysical properties (such as structural, functional, and spatial information, amino acid conservation, physicochemical variation, residue mobility, and thermodynamic stability) indicates that this missense variant is not expected to disrupt SHOC2 protein function with a negative predictive value of 80%. In summary, the available evidence is currently insufficient to determine the role of this variant in disease. Therefore, it has been classified as a Variant of Uncertain Significance.

PreventionGenetics, part of Exact Sciences
Classification: Uncertain significance for SHOC2-related condition. Last evaluated: 2023-01-23. Review status: criteria provided, single submitter. Criteria: ACMG Guidelines, 2015. Collection method: clinical testing. Allele origin: germline.
Comment: The SHOC2 c.1741A>G variant is predicted to result in the amino acid substitution p.Met581Val. To our knowledge, this variant has not been reported in the literature. This variant is reported in 0.00088% of alleles in individuals of European (Non-Finnish) descent in gnomAD. At this time, the clinical significance of this variant is uncertain due to the absence of conclusive functional and genetic evidence.

St. Jude Molecular Pathology, St. Jude Children's Research Hospital
Classification: Uncertain significance for Noonan syndrome. Last evaluated: 2020-09-22. Review status: criteria provided, single submitter. Criteria: St. Jude Assertion Criteria 2020. Collection method: clinical testing. Allele origin: germline.

NM_007373.4(SHOC2):c.1741A>G (p.Met581Val)

Gene: SHOC2 (SHOC2 leucine rich repeat scaffold protein; plus strand). Cytogenetic location: 10q25.2.
Variant type: single nucleotide variant.
Coding change: c.1741A>G on transcript NM_007373.4 (MANE Select); coding-DNA position 1741, A replaced by G.
Protein change: p.Met581Val; replaces methionine 581 with valine.
Molecular consequence: missense variant. On other transcripts: non-coding transcript variant (1).
Genome position (GRCh38, 1-based): chr10:111,011,810, A>G. VCF-style: chr10-111011810-A-G. GRCh37 (hg19) VCF-style: chr10-112771568-A-G.
Other names: c.1603A>G, p.Met535Val (NM_001269039.3); c.1741A>G, p.Met581Val (NM_001324336.2, NM_001324337.2); short protein forms M581V, M535V.
Identifiers: ClinVar variation 620614 (VCV000620614.8), dbSNP rs1470655019, ClinGen allele CA378526821.